The following is an entry in ClinVar:

ClinVar aggregate classification (germline): Pathogenic. Review status: criteria provided, multiple submitters, no conflicts (2 of 4 stars). 2 submissions from 2 submitters: Pathogenic (2). Last evaluated 2023-06-27.

Conditions:
OPA1-related disorder. Also called: OPA1-related disorders; OPA1-related condition.

Submissions (2):

Labcorp Genetics (formerly Invitae), Labcorp
Classification: Pathogenic. Last evaluated: 2023-06-27. Review status: criteria provided, single submitter. Criteria: Invitae Variant Classification Sherloc (09022015). Collection method: clinical testing. Allele origin: germline.
Comment: For these reasons, this variant has been classified as Pathogenic. Variants that disrupt the consensus splice site are a relatively common cause of aberrant splicing (PMID: 17576681, 9536098). Algorithms developed to predict the effect of sequence changes on RNA splicing suggest that this variant may disrupt the consensus splice site. This variant has been observed in individuals with autosomal dominant optic atrophy (PMID: 17722006, 20952381, 29952689, 32855858, 34242285; Invitae). This variant is not present in population databases (gnomAD no frequency). This sequence change falls in intron 27 of the OPA1 gene. It does not directly change the encoded amino acid sequence of the OPA1 protein. It affects a nucleotide within the consensus splice site.

Blueprint Genetics
Classification: Pathogenic for OPA1-related disorders. Last evaluated: 2021-12-01. Review status: criteria provided, single submitter. Criteria: ACMG Guidelines, 2015. Collection method: clinical testing. Allele origin: germline. Affected: yes. Observed: 1 variant allele.

Literature cited by the submitters: PubMed 17576681 (cited by Labcorp Genetics (formerly Invitae), Labcorp); PubMed 9536098 (cited by Labcorp Genetics (formerly Invitae), Labcorp); PubMed 17722006 (cited by Labcorp Genetics (formerly Invitae), Labcorp); PubMed 20952381 (cited by Labcorp Genetics (formerly Invitae), Labcorp); PubMed 29952689 (cited by Labcorp Genetics (formerly Invitae), Labcorp); PubMed 32855858 (cited by Labcorp Genetics (formerly Invitae), Labcorp); PubMed 34242285 (cited by Labcorp Genetics (formerly Invitae), Labcorp).

NM_130837.3(OPA1):c.2983+5G>A

Gene: OPA1 (OPA1 mitochondrial dynamin like GTPase; plus strand). Cytogenetic location: 3q29.
Variant type: single nucleotide variant.
Coding change: c.2983+5G>A on transcript NM_130837.3 (MANE Select); 5 bases into the intron after coding-DNA position 2983, G replaced by A.
Molecular consequence: intron variant.
Genome position (GRCh38, 1-based): chr3:193,667,285, G>A. VCF-style: chr3-193667285-G-A. GRCh37 (hg19) VCF-style: chr3-193385074-G-A.
Other names: c.2446+5G>A (NM_001354664.2); c.2449+5G>A (NM_001354663.2); c.2872+5G>A (NM_130834.3); c.2929+5G>A (NM_130836.3); c.2818+5G>A (NM_015560.3); c.2875+5G>A (NM_130835.3); c.2764+5G>A (NM_130832.3); c.2821+5G>A (NM_130833.3); and 1 more.
Identifiers: ClinVar variation 2734625 (VCV002734625.4), dbSNP rs2475207285, ClinGen allele CA2586973396.